The following is an entry in ClinVar:

ClinVar aggregate classification (germline): Pathogenic. Review status: criteria provided, multiple submitters, no conflicts (2 of 4 stars). 2 submissions from 2 submitters: Pathogenic (2). Last evaluated 2025-09-08.

Conditions:
Intellectual developmental disorder with poor growth and with or without seizures or ataxia. Identifiers: MedGen C5394135, MONDO:0032930, OMIM 618808.

Submissions (2):

Institute of Human Genetics, University of Leipzig Medical Center
Classification: Pathogenic for Intellectual developmental disorder with poor growth and with or without seizures or ataxia. Last evaluated: 2025-09-08. Review status: criteria provided, single submitter. Criteria: ACMG Guidelines, 2015. Collection method: clinical testing. Allele origin: unknown. Inheritance: Autosomal recessive inheritance. Affected: yes.
Comment: Criteria applied: PVS1,PM2,PM3

Institute for Medical Genetics and Human Genetics, Charité - Universitätsmedizin Berlin
Classification: Pathogenic for Intellectual developmental disorder with poor growth and with or without seizures or ataxia. Review status: criteria provided, single submitter. Criteria: ACMG Guidelines, 2015. Collection method: not provided. Allele origin: germline. Inheritance: Autosomal recessive inheritance. Affected: yes.

NM_001606.5(ABCA2):c.6630_6630+1del

Gene: ABCA2 (ATP binding cassette subfamily A member 2; minus strand). Cytogenetic location: 9q34.3.
Variant type: Deletion.
Coding change: c.6630_6630+1del on transcript NM_001606.5 (MANE Select); coding-DNA position 6630 through the canonical splice donor site of the intron after coding-DNA position 6630, 2 bases deleted (GG; older notation c.6630_6630+1delGG).
Molecular consequence: splice donor variant.
Genome position (GRCh38, 1-based): chr9:137,009,768-137,009,769, CC deleted on the plus strand (GG on the coding strand, the reverse complement: ABCA2 is on the minus strand). VCF-style (leftmost placement, unchanged base first): chr9-137009767-ACC-A. GRCh37 (hg19) VCF-style: chr9-139904219-ACC-A.
Other names: c.6720_6720+1del (NM_212533.3); c.6627_6627+1del (NM_001411042.1).
Identifiers: ClinVar variation 2580911 (VCV002580911.3), dbSNP rs2491492843, ClinGen allele CA2580618143.